The following is an entry in ClinVar:

ClinVar aggregate classification (germline): Likely benign. Review status: criteria provided, multiple submitters, no conflicts (2 of 4 stars). 2 submissions from 2 submitters: Likely benign (2). Last evaluated 2018-06-16.

Allele frequency attached by ClinVar (database versions not stated): 1000 Genomes Project 30x 0.00734; 1000 Genomes Project 0.00759; TOPMed 0.01122.
gnomAD v4.1: 1,858 of 152,276 alleles (1.2%); highest among the groups gnomAD compares: South Asian, 2.5%; 18 homozygotes.

Submissions (2):

GeneDx
Classification: Likely benign. Last evaluated: 2018-06-16. Review status: criteria provided, single submitter. Criteria: GeneDx Variant Classification (06012015). Collection method: clinical testing. Allele origin: germline. Affected: yes.
Comment: This variant is considered likely benign or benign based on one or more of the following criteria: it is a conservative change, it occurs at a poorly conserved position in the protein, it is predicted to be benign by multiple in silico algorithms, and/or has population frequency not consistent with disease.

Breakthrough Genomics
Classification: Likely benign. Review status: criteria provided, single submitter. Criteria: ACMG Guidelines, 2015. Collection method: not provided. Allele origin: germline. Inheritance: Autosomal recessive inheritance. Affected: yes.

NM_001371596.2(MFSD8):c.155-174A>G

Gene: MFSD8 (major facilitator superfamily domain containing 8; minus strand). Cytogenetic location: 4q28.2.
Variant type: single nucleotide variant.
Coding change: c.155-174A>G on transcript NM_001371596.2 (MANE Select); 174 bases into the intron before coding-DNA position 155, A replaced by G.
Molecular consequence: intron variant.
Genome position (GRCh38, 1-based): chr4:127,950,021, T>C on the plus strand (A>G on the coding strand, the complement: MFSD8 is on the minus strand). VCF-style: chr4-127950021-T-C. GRCh37 (hg19) VCF-style: chr4-128871176-T-C.
Other names: c.20-174A>G (NM_001371595.1, NM_001410765.1, NM_001371590.2); c.155-174A>G (NM_152778.4, NM_001363521.3, NM_001410766.1 and 5 more transcripts).
Identifiers: ClinVar variation 677422 (VCV000677422.4), dbSNP rs147768072, ClinGen allele CA105691613.